The following is an entry in ClinVar:

ClinVar aggregate classification (germline): Pathogenic. Review status: reviewed by expert panel (3 of 4 stars). 4 submissions from 4 submitters: Pathogenic (1). 3 of the submissions do not count toward it. Last evaluated 2016-09-08.

Conditions:
BRCA2-related disorder. Also called: BRCA2-related condition; BRCA2-related disorders. Identifiers: MedGen CN239275.
Breast-ovarian cancer, familial, susceptibility to, 2 (BROVCA2). Also called: BRCA2 Hereditary Breast and Ovarian Cancer. Identifiers: Orphanet 145, MedGen C2675520, MONDO:0012933, OMIM 612555. Disease mechanism: loss of function.

Submissions (4):

Evidence-based Network for the Interpretation of Germline Mutant Alleles (ENIGMA)
Classification: Pathogenic for Breast-ovarian cancer, familial, susceptibility to, 2. Last evaluated: 2016-09-08. Review status: reviewed by expert panel. Criteria: ENIGMA BRCA1/2 Classification Criteria (2015). Collection method: curation. Allele origin: germline.
Comment: Variant allele predicted to encode a truncated non-functional protein.

Myriad Genetics, Inc.
Classification: Pathogenic for Breast-ovarian cancer, familial, susceptibility to, 2. Last evaluated: 2026-06-23. Review status: criteria provided, single submitter. Criteria: Myriad Autosomal Dominant, Autosomal Recessive and X-Linked Classification Criteria (2023). Collection method: clinical testing. Allele origin: unknown. Not counted in ClinVar's aggregate classification.
Comment: This variant is considered pathogenic. This variant creates a frameshift predicted to result in premature protein truncation.

Blueprint Genetics
Classification: Likely pathogenic for BRCA2-related disorders. Last evaluated: 2018-03-22. Review status: criteria provided, single submitter. Criteria: ACMG Guidelines, 2015. Collection method: clinical testing. Allele origin: germline. Affected: yes. Observed: 2 variant alleles. Not counted in ClinVar's aggregate classification.

Consortium of Investigators of Modifiers of BRCA1/2 (CIMBA), c/o University of Cambridge
Classification: Pathogenic for Breast-ovarian cancer, familial, susceptibility to, 2. Last evaluated: 2015-10-02. Review status: criteria provided, single submitter. Criteria: CIMBA Mutation Classification guidelines May 2016. Collection method: clinical testing. Allele origin: germline. Not counted in ClinVar's aggregate classification.

NM_000059.4(BRCA2):c.2648del (p.Phe883fs)

Gene: BRCA2 (BRCA2 DNA repair associated; plus strand). Cytogenetic location: 13q13.1.
Variant type: Deletion.
Coding change: c.2648del on transcript NM_000059.4 (MANE Select); coding-DNA position 2648, one base deleted (T; older notation c.2648delT).
Protein change: p.Phe883fs; shifts the reading frame from phenylalanine 883.
Molecular consequence: frameshift variant.
Genome position (GRCh38, 1-based): chr13:32,337,003, T deleted; the last of 4 consecutive T bases (chr13:32,337,000-32,337,003); deleting any one gives the same sequence. VCF-style (leftmost placement, unchanged base first): chr13-32336999-CT-C. GRCh37 (hg19) VCF-style: chr13-32911136-CT-C.
Other names: c.2648delT (NM_000059.3).
Identifiers: ClinVar variation 254505 (VCV000254505.5), dbSNP rs886038077, ClinGen allele CA10586504.